The following is an entry in ClinVar:

ClinVar aggregate classification (germline): Uncertain significance. Review status: criteria provided, multiple submitters, no conflicts (2 of 4 stars). 2 submissions from 2 submitters: Uncertain significance (2). Last evaluated 2025-10-07.

Conditions:
Candidiasis, familial, 9 (CANDF9). Identifiers: Orphanet 1334, MedGen C4225324, MONDO:0014642, OMIM 616445.

Allele frequency attached by ClinVar (database versions not stated): TOPMed 0.00001.
gnomAD v4.1: 21 of 1,614,026 alleles (0.0013%); highest among the groups gnomAD compares: Middle Eastern, 0.033%; no homozygotes.

Submissions (2):

Ambry Genetics
Classification: Uncertain significance. Last evaluated: 2025-10-07. Review status: criteria provided, single submitter. Criteria: Ambry Variant Classification Scheme 2023. Collection method: clinical testing. Allele origin: germline.

Labcorp Genetics (formerly Invitae), Labcorp
Classification: Uncertain significance for Candidiasis, familial, 9. Last evaluated: 2025-06-16. Review status: criteria provided, single submitter. Criteria: Invitae Variant Classification Sherloc (09022015). Collection method: clinical testing. Allele origin: germline.
Comment: This sequence change replaces arginine, which is basic and polar, with glutamine, which is neutral and polar, at codon 84 of the IL17RC protein (p.Arg84Gln). This variant is present in population databases (rs760007478, gnomAD 0.007%). This variant has not been reported in the literature in individuals affected with IL17RC-related conditions. ClinVar contains an entry for this variant (Variation ID: 652100). An algorithm developed to predict the effect of missense changes on protein structure and function (PolyPhen-2) suggests that this variant is likely to be tolerated. In summary, the available evidence is currently insufficient to determine the role of this variant in disease. Therefore, it has been classified as a Variant of Uncertain Significance.

NM_153460.4(IL17RC):c.105+146G>A

Gene: IL17RC (interleukin 17 receptor C; plus strand). Cytogenetic location: 3p25.3.
Variant type: single nucleotide variant.
Coding change: c.105+146G>A on transcript NM_153460.4 (MANE Select); 146 bases into the intron after coding-DNA position 105, G replaced by A.
Molecular consequence: intron variant. On other transcripts: missense variant (1).
Genome position (GRCh38, 1-based): chr3:9,917,566, G>A. VCF-style: chr3-9917566-G-A. GRCh37 (hg19) VCF-style: chr3-9959250-G-A.
Other names: c.251G>A, p.Arg84Gln (NM_153461.4); c.105+146G>A (NM_001203263.2, NM_001203264.2, NM_001367278.1 and 4 more transcripts); short protein forms R84Q.
Identifiers: ClinVar variation 652100 (VCV000652100.8), dbSNP rs760007478, ClinGen allele CA2246683.